The following is an entry in ClinVar:

NM_006258.4(PRKG1):c.-31C>T

Gene: PRKG1 (protein kinase cGMP-dependent 1; plus strand). Cytogenetic location: 10q11.23.
Variant type: single nucleotide variant.
Coding change: c.-31C>T on transcript NM_006258.4 (MANE Select); 31 bases upstream of the start codon, C replaced by T.
Molecular consequence: 5 prime UTR variant. On other transcripts: intron variant (1).
Genome position (GRCh38, 1-based): chr10:51,074,560, C>T. VCF-style: chr10-51074560-C-T. GRCh37 (hg19) VCF-style: chr10-52834320-C-T.
Other names: NC_000010.10:g.52834320C>T; c.267-78604C>T (NM_001098512.3, LRG_1135t2); c.-31C>T (LRG_1135t1).
Identifiers: ClinVar variation 391047 (VCV000391047.2), dbSNP rs41274080, ClinGen allele CA5503044.

ClinVar aggregate classification (germline): Benign (1 of 4 stars; one submission).

Allele frequency attached by ClinVar (database versions not stated): 1000 Genomes Project 30x 0.00047; gnomAD exomes 0.00227; TOPMed 0.00142; ExAC 0.00228; 1000 Genomes Project 0.00060; gnomAD 0.00212 and 0.00211; ESP Exome Variant Server 0.00192.
gnomAD v4.1: 4,454 of 1,591,294 alleles (0.28%); highest among the groups gnomAD compares: Non-Finnish European, 0.29%; 11 homozygotes.

Submissions (2):

GeneDx
Classification: Benign. Last evaluated: 2016-12-05. Review status: criteria provided, single submitter. Criteria: GeneDx Variant Classification (06012015). Collection method: clinical testing. Allele origin: germline. Affected: yes.
Comment: This variant is considered likely benign or benign based on one or more of the following criteria: it is a conservative change, it occurs at a poorly conserved position in the protein, it is predicted to be benign by multiple in silico algorithms, and/or has population frequency not consistent with disease.

Dr. Peter K. Rogan Lab, Western University
No classification provided (evidence only). Condition: Malignant tumor of esophagus. Review status: no classification provided. Collection method: in vitro. Allele origin: not applicable. Functional consequence: retained intron. Not counted in ClinVar's aggregate classification.